The following is an entry in ClinVar:

NM_030665.4(RAI1):c.2485C>T (p.Pro829Ser)

Gene: RAI1 (retinoic acid induced 1; plus strand). Cytogenetic location: 17p11.2.
Variant type: single nucleotide variant.
Coding change: c.2485C>T on transcript NM_030665.4 (MANE Select); coding-DNA position 2485, C replaced by T.
Protein change: p.Pro829Ser; replaces proline 829 with serine.
Molecular consequence: missense variant.
Genome position (GRCh38, 1-based): chr17:17,795,433, C>T. VCF-style: chr17-17795433-C-T. GRCh37 (hg19) VCF-style: chr17-17698747-C-T.
Other names: short protein forms P829S.
Identifiers: ClinVar variation 4983407 (VCV004983407.1).

ClinVar aggregate classification (germline): Uncertain significance (1 of 4 stars; one submission).

Conditions:
RAI1-related disorder. Also called: RAI1-related condition.

gnomAD v4.1: 3 of 1,590,544 alleles (0.00019%); highest among the groups gnomAD compares: East Asian, 0.0023%; no homozygotes.

Submission:

PreventionGenetics, part of Exact Sciences
Classification: Uncertain significance for RAI1-related condition. Last evaluated: 2025-08-07. Review status: criteria provided, single submitter. Criteria: ACMG Guidelines, 2015. Collection method: clinical testing. Allele origin: germline.
Comment: The RAI1 c.2485C>T variant is predicted to result in the amino acid substitution p.Pro829Ser. To our knowledge, this variant has not been reported in the literature. This variant is reported in 0.0011% of alleles in individuals of European (Non-Finnish) descent in gnomAD. At this time, the clinical significance of this variant is uncertain due to the absence of conclusive functional and genetic evidence.